The following is an entry in ClinVar:

NM_006059.4(LAMC3):c.31_36dup (p.Leu12_Leu13insAlaLeu)

Gene: LAMC3 (laminin subunit gamma 3; plus strand). Cytogenetic location: 9q34.12.
Variant type: Duplication.
Coding change: c.31_36dup on transcript NM_006059.4 (MANE Select); coding-DNA positions 31 to 36, 6 bases duplicated (GCGCTG; older notation c.31_36dupGCGCTG).
Protein change: p.Leu12_Leu13insAlaLeu.
Molecular consequence: inframe insertion.
Genome position (GRCh38, 1-based): chr9:131,009,245-131,009,250, GCGCTG duplicated; duplicating any 6 consecutive bases within chr9:131,009,241-131,009,250 gives the same sequence; the c. name uses the placement nearest the transcript's 3' end. VCF-style (leftmost placement, unchanged base first): chr9-131009240-G-GGCTGGC. GRCh37 (hg19) VCF-style: chr9-133884627-G-GGCTGGC.
Identifiers: ClinVar variation 1921404 (VCV001921404.2), dbSNP rs2490640461, ClinGen allele CA2579485474.

ClinVar aggregate classification (germline): Uncertain significance (1 of 4 stars; one submission).

Submission:

Labcorp Genetics (formerly Invitae), Labcorp
Classification: Uncertain significance. Last evaluated: 2022-07-25. Review status: criteria provided, single submitter. Criteria: Invitae Variant Classification Sherloc (09022015). Collection method: clinical testing. Allele origin: germline.
Comment: This variant, c.31_36dup, results in the insertion of 2 amino acid(s) of the LAMC3 protein (p.Ala11_Leu12dup), but otherwise preserves the integrity of the reading frame. This variant is not present in population databases (gnomAD no frequency). This variant has not been reported in the literature in individuals affected with LAMC3-related conditions. Experimental studies and prediction algorithms are not available or were not evaluated, and the functional significance of this variant is currently unknown. In summary, the available evidence is currently insufficient to determine the role of this variant in disease. Therefore, it has been classified as a Variant of Uncertain Significance.